The following is an entry in ClinVar:

NM_173546.3(KLHDC8B):c.317G>A (p.Arg106His)

Gene: KLHDC8B (kelch domain containing 8B; plus strand). Cytogenetic location: 3p21.31.
Variant type: single nucleotide variant.
Coding change: c.317G>A on transcript NM_173546.3 (MANE Select); coding-DNA position 317, G replaced by A.
Protein change: p.Arg106His; replaces arginine 106 with histidine.
Molecular consequence: missense variant.
Genome position (GRCh38, 1-based): chr3:49,173,086, G>A. VCF-style: chr3-49173086-G-A. GRCh37 (hg19) VCF-style: chr3-49210519-G-A.
Other names: short protein forms R106H.
Identifiers: ClinVar variation 4753321 (VCV004753321.1).

ClinVar aggregate classification (germline): Uncertain significance (1 of 4 stars; one submission).

Submission:

Labcorp Genetics (formerly Invitae), Labcorp
Classification: Uncertain significance. Last evaluated: 2025-11-03. Review status: criteria provided, single submitter. Criteria: Invitae Variant Classification Sherloc (09022015). Collection method: clinical testing. Allele origin: germline.
Comment: This sequence change replaces arginine, which is basic and polar, with histidine, which is basic and polar, at codon 106 of the KLHDC8B protein (p.Arg106His). The frequency data for this variant in the population databases is considered unreliable, as metrics indicate poor data quality at this position in the gnomAD database. This variant has not been reported in the literature in individuals affected with KLHDC8B-related conditions. An algorithm developed to predict the effect of missense changes on protein structure and function (PolyPhen-2) suggests that this variant is likely to be disruptive. In summary, the available evidence is currently insufficient to determine the role of this variant in disease. Therefore, it has been classified as a Variant of Uncertain Significance.